The following is an entry in ClinVar:

ClinVar aggregate classification (germline): Uncertain significance (1 of 4 stars; one submission).

Conditions:
Cardiovascular phenotype. Identifiers: MedGen CN230736.

Allele frequency attached by ClinVar (database versions not stated): gnomAD exomes 0.00001.
gnomAD v4.1: 3 of 1,608,552 alleles (0.00019%); highest among the groups gnomAD compares: Non-Finnish European, 0.00025%; no homozygotes.

Submission:

Ambry Genetics
Classification: Uncertain significance for Cardiovascular phenotype. Last evaluated: 2022-09-05. Review status: criteria provided, single submitter. Criteria: Ambry Variant Classification Scheme 2023. Collection method: clinical testing. Allele origin: germline.
Comment: The p.P443S variant (also known as c.1327C>T), located in coding exon 21 of the TRDN gene, results from a C to T substitution at nucleotide position 1327. The proline at codon 443 is replaced by serine, an amino acid with similar properties. This amino acid position is conserved. In addition, this alteration is predicted to be tolerated by in silico analysis. Since supporting evidence is limited at this time, the clinical significance of this alteration remains unclear.

NM_006073.4(TRDN):c.1327C>T (p.Pro443Ser)

Gene: TRDN (triadin; minus strand). Cytogenetic location: 6q22.31.
Variant type: single nucleotide variant.
Coding change: c.1327C>T on transcript NM_006073.4 (MANE Select); coding-DNA position 1327, C replaced by T.
Protein change: p.Pro443Ser; replaces proline 443 with serine.
Molecular consequence: missense variant.
Genome position (GRCh38, 1-based): chr6:123,352,581, G>A on the plus strand (C>T on the coding strand, the complement: TRDN is on the minus strand). VCF-style: chr6-123352581-G-A. GRCh37 (hg19) VCF-style: chr6-123673726-G-A.
Other names: c.1330C>T, p.Pro444Ser (NM_001251987.2); c.1270C>T, p.Pro424Ser (NM_001407315.1); short protein forms P424S, P443S, P444S.
Identifiers: ClinVar variation 1770036 (VCV001770036.2), dbSNP rs2533766122, ClinGen allele CA365566160.